The following is an entry in ClinVar:

NM_203290.4(POLR1C):c.475C>G (p.Pro159Ala)

Gene: POLR1C (RNA polymerase I and III subunit C; plus strand). Cytogenetic location: 6p21.1.
Variant type: single nucleotide variant.
Coding change: c.475C>G on transcript NM_203290.4 (MANE Select); coding-DNA position 475, C replaced by G.
Protein change: p.Pro159Ala; replaces proline 159 with alanine.
Molecular consequence: missense variant.
Genome position (GRCh38, 1-based): chr6:43,520,158, C>G. VCF-style: chr6-43520158-C-G. GRCh37 (hg19) VCF-style: chr6-43487896-C-G.
Other names: c.475C>G, p.Pro159Ala (NM_001318876.2, NM_001363658.2); short protein forms P159A.
Identifiers: ClinVar variation 1403583 (VCV001403583.7), dbSNP rs776311990, ClinGen allele CA3825446.

ClinVar aggregate classification (germline): Uncertain significance. Review status: criteria provided, multiple submitters, no conflicts (2 of 4 stars). 2 submissions from 2 submitters: Uncertain significance (2). Last evaluated 2022-09-01.

Allele frequency attached by ClinVar (database versions not stated): gnomAD exomes below 0.00001; TOPMed below 0.00001; ExAC 0.00001.

Submissions (2):

Labcorp Genetics (formerly Invitae), Labcorp
Classification: Uncertain significance. Last evaluated: 2022-09-01. Review status: criteria provided, single submitter. Criteria: Invitae Variant Classification Sherloc (09022015). Collection method: clinical testing. Allele origin: germline.
Comment: In summary, the available evidence is currently insufficient to determine the role of this variant in disease. Therefore, it has been classified as a Variant of Uncertain Significance. Algorithms developed to predict the effect of missense changes on protein structure and function are either unavailable or do not agree on the potential impact of this missense change (SIFT: "Not Available"; PolyPhen-2: "Benign"; Align-GVGD: "Not Available"). ClinVar contains an entry for this variant (Variation ID: 1403583). This variant has not been reported in the literature in individuals affected with POLR1C-related conditions. This variant is present in population databases (rs776311990, gnomAD 0.003%). This sequence change replaces proline with alanine at codon 159 of the POLR1C protein (p.Pro159Ala). The proline residue is highly conserved and there is a small physicochemical difference between proline and alanine.

Blueprint Genetics
Classification: Uncertain significance. Last evaluated: 2021-11-10. Review status: criteria provided, single submitter. Criteria: ACMG Guidelines, 2015. Collection method: clinical testing. Allele origin: germline.